The following is an entry in ClinVar:

ClinVar aggregate classification (germline): Uncertain significance. Review status: criteria provided, multiple submitters, no conflicts (2 of 4 stars). 4 submissions from 4 submitters: Uncertain significance (4). Last evaluated 2025-12-09.

Conditions:
Epidermolysis bullosa simplex with nail dystrophy (EBS5D). Identifiers: MedGen C4225309, MONDO:0014661, OMIM 616487.
Epidermolysis bullosa simplex, Ogna type (EBS5A). Also called: Pidermolysis bullosa simplex 5A, Ogna type; EPIDERMOLYSIS BULLOSA SIMPLEX 5A, OGNA TYPE. Identifiers: Orphanet 79401, MedGen C0432317, MONDO:0007555, OMIM 131950.
Autosomal recessive limb-girdle muscular dystrophy type 2Q (LGMDR17). Also called: MUSCULAR DYSTROPHY, LIMB-GIRDLE, AUTOSOMAL RECESSIVE 17. Identifiers: Orphanet 254361, MedGen C3150989, MONDO:0013390, OMIM 613723.
Epidermolysis bullosa simplex 5C, with pyloric atresia (EBS5C). Also called: PLEC-Related Epidermolysis Bullosa with Pyloric Atresia; Epidermolysis bullosa simplex with pyloric atresia; PLEC1-Related Epidermolysis Bullosa with Pyloric Atresia. Identifiers: Orphanet 158684, MedGen C2677349, MONDO:0012807, OMIM 612138.
Epidermolysis bullosa simplex 5B, with muscular dystrophy (EBS5B). Also called: EPIDERMOLYSIS BULLOSA SIMPLEX AND LIMB-GIRDLE MUSCULAR DYSTROPHY; Epidermolysis bullosa simplex with muscular dystrophy. Identifiers: Orphanet 257, MedGen C2931072, MONDO:0009181, OMIM 226670.
Inborn genetic diseases. Identifiers: MedGen C0950123, MeSH D030342.

Allele frequency attached by ClinVar (database versions not stated): ExAC 0.00002; gnomAD exomes 0.00002; TOPMed 0.00002; gnomAD 0.00003.

Submissions (4):

Labcorp Genetics (formerly Invitae), Labcorp
Classification: Uncertain significance for Autosomal recessive limb-girdle muscular dystrophy type 2Q; Epidermolysis bullosa simplex, Ogna type; Epidermolysis bullosa simplex with nail dystrophy; Epidermolysis bullosa simplex 5C, with pyloric atresia; Epidermolysis bullosa simplex 5B, with muscular dystrophy. Last evaluated: 2025-12-09. Review status: criteria provided, single submitter. Criteria: Invitae Variant Classification Sherloc (09022015). Collection method: clinical testing. Allele origin: germline.
Comment: This sequence change replaces lysine, which is basic and polar, with glutamic acid, which is acidic and polar, at codon 1691 of the PLEC protein (p.Lys1691Glu). This variant is present in population databases (rs782318719, gnomAD 0.009%). This variant has not been reported in the literature in individuals affected with PLEC-related conditions. ClinVar contains an entry for this variant (Variation ID: 471597). Experimental studies and prediction algorithms are not available or were not evaluated, and the functional significance of this variant is currently unknown. In summary, the available evidence is currently insufficient to determine the role of this variant in disease. Therefore, it has been classified as a Variant of Uncertain Significance.

Revvity Omics, Revvity
Classification: Uncertain significance. Last evaluated: 2025-06-26. Review status: criteria provided, single submitter. Criteria: ACMG Guidelines, 2015. Collection method: clinical testing. Allele origin: germline.

Ambry Genetics
Classification: Uncertain significance for Inborn genetic diseases. Last evaluated: 2024-02-12. Review status: criteria provided, single submitter. Criteria: Ambry Variant Classification Scheme 2023. Collection method: clinical testing. Allele origin: germline.

GeneDx
Classification: Uncertain significance. Last evaluated: 2024-01-29. Review status: criteria provided, single submitter. Criteria: GeneDx Variant Classification Process June 2021. Collection method: clinical testing. Allele origin: germline. Affected: yes.
Comment: Not observed at significant frequency in large population cohorts (gnomAD); In silico analysis supports that this missense variant does not alter protein structure/function; Has not been previously published as pathogenic or benign to our knowledge

NM_201384.3(PLEC):c.4990A>G (p.Lys1664Glu)

Gene: PLEC (plectin; minus strand). Cytogenetic location: 8q24.3.
Variant type: single nucleotide variant.
Coding change: c.4990A>G on transcript NM_201384.3 (MANE Select); coding-DNA position 4990, A replaced by G.
Protein change: p.Lys1664Glu; replaces lysine 1664 with glutamic acid.
Molecular consequence: missense variant.
Genome position (GRCh38, 1-based): chr8:143,924,939, T>C on the plus strand (A>G on the coding strand, the complement: PLEC is on the minus strand). VCF-style: chr8-143924939-T-C. GRCh37 (hg19) VCF-style: chr8-144999107-T-C.
Other names: c.5071A>G, p.Lys1691Glu (NM_000445.5); c.4948A>G, p.Lys1650Glu (NM_201378.4); c.4924A>G, p.Lys1642Glu (NM_201379.3); c.5401A>G, p.Lys1801Glu (NM_201380.4); c.4894A>G, p.Lys1632Glu (NM_201381.3); c.4990A>G, p.Lys1664Glu (NM_201382.4); c.5002A>G, p.Lys1668Glu (NM_201383.3); c.5071A>G (NM_000445.3); short protein forms K1801E, K1632E, K1664E, K1642E, K1650E, K1668E, K1691E.
Identifiers: ClinVar variation 471597 (VCV000471597.10), dbSNP rs782318719, ClinGen allele CA4926474.